The following is an entry in ClinVar:

ClinVar aggregate classification (germline): Conflicting classifications of pathogenicity. Review status: criteria provided, conflicting classifications (1 of 4 stars). 2 submissions from 2 submitters: Uncertain significance (1); Likely benign (1). Last evaluated 2024-02-26.

Conditions:
Hereditary cancer-predisposing syndrome. Also called: Hereditary Cancer Syndrome; Neoplastic Syndromes, Hereditary; Tumor predisposition; Hereditary neoplastic syndrome. Identifiers: Orphanet 140162, MedGen C0027672, MeSH D009386, MONDO:0015356.

Allele frequency attached by ClinVar (database versions not stated): gnomAD exomes below 0.00001.
gnomAD v4.1: 1 of 1,614,198 alleles (0.000062%); no homozygotes.

Submissions (2):

Ambry Genetics
Classification: Likely benign for Hereditary cancer-predisposing syndrome. Last evaluated: 2024-02-26. Review status: criteria provided, single submitter. Criteria: Ambry Variant Classification Scheme 2023. Collection method: clinical testing. Allele origin: germline.

Color Diagnostics, LLC DBA Color Health
Classification: Uncertain significance for Hereditary cancer-predisposing syndrome. Last evaluated: 2023-12-05. Review status: criteria provided, single submitter. Criteria: ACMG Guidelines, 2015. Collection method: clinical testing. Allele origin: germline.
Comment: This missense variant replaces threonine with serine at codon 696 of the BARD1 protein. Computational prediction suggests that this variant may not impact protein structure and function (internally defined REVEL score threshold <= 0.5, PMID: 27666373). To our knowledge, functional studies have not been reported for this variant. This variant has not been reported in individuals affected with BARD1-related disorders in the literature. This variant has been identified in 1/251286 chromosomes in the general population by the Genome Aggregation Database (gnomAD). The available evidence is insufficient to determine the role of this variant in disease conclusively. Therefore, this variant is classified as a Variant of Uncertain Significance.

NM_000465.4(BARD1):c.2087C>G (p.Thr696Ser)

Gene: BARD1 (BRCA1 associated RING domain 1; minus strand). Cytogenetic location: 2q35.
Variant type: single nucleotide variant.
Coding change: c.2087C>G on transcript NM_000465.4 (MANE Select); coding-DNA position 2087, C replaced by G.
Protein change: p.Thr696Ser; replaces threonine 696 with serine.
Molecular consequence: missense variant. On other transcripts: non-coding transcript variant (3).
Genome position (GRCh38, 1-based): chr2:214,728,923, G>C on the plus strand (C>G on the coding strand, the complement: BARD1 is on the minus strand). VCF-style: chr2-214728923-G-C. GRCh37 (hg19) VCF-style: chr2-215593647-G-C.
Other names: c.2030C>G, p.Thr677Ser (NM_001282543.2); c.734C>G, p.Thr245Ser (NM_001282545.2); c.677C>G, p.Thr226Ser (NM_001282548.2); c.548C>G, p.Thr183Ser (NM_001282549.2); c.2087C>G (NM_000465.2); short protein forms T696S, T677S, T183S, T226S, T245S.
Identifiers: ClinVar variation 489664 (VCV000489664.7), dbSNP rs1289051833, ClinGen allele CA350450645.